The following is an entry in ClinVar:

ClinVar aggregate classification (germline): Likely pathogenic. Review status: criteria provided, multiple submitters, no conflicts (2 of 4 stars). 3 submissions from 3 submitters: Likely pathogenic (2). 1 of the submissions does not count toward it. Last evaluated 2025-09-10.

Conditions:
Aicardi-Goutieres syndrome 1. Also called: PSEUDOTOXOPLASMOSIS SYNDROME; CREE ENCEPHALITIS; ENCEPHALOPATHY, FAMILIAL INFANTILE, WITH INTRACRANIAL CALCIFICATION AND CHRONIC CEREBROSPINAL FLUID LYMPHOCYTOSIS. Identifiers: Orphanet 51, MedGen C0796126, MONDO:0009165, OMIM 225750.

Submissions (3):

Genomic Medicine Center of Excellence, King Faisal Specialist Hospital and Research Centre
Classification: Likely pathogenic for Aicardi-Goutieres syndrome 1. Last evaluated: 2025-09-10. Review status: criteria provided, single submitter. Criteria: ACMG Guidelines, 2015. Collection method: clinical testing. Allele origin: germline.

GeneDx
Classification: Likely pathogenic. Last evaluated: 2022-05-27. Review status: criteria provided, single submitter. Criteria: GeneDx Variant Classification Process June 2021. Collection method: clinical testing. Allele origin: germline. Affected: yes.
Comment: Identified as a heterozygous variant in patients reported to have Aicardi-Goutieres syndrome in published literature (Rice et al., 2007); Frameshift variant predicted to result in protein truncation, as the last 178 amino acids are replaced with 23 different amino acids, and other loss-of-function variants have been reported downstream in HGMD; Not observed at significant frequency in large population cohorts (gnomAD); This variant is associated with the following publications: (PMID: 20301648, 17846997, 18583934)

GeneReviews
No classification provided. Condition: Aicardi-Goutieres syndrome 1. Review status: no classification provided. Collection method: literature only. Allele origin: germline. Affected: yes. Not counted in ClinVar's aggregate classification.

Literature cited by the submitters: NCBI Bookshelf NBK1475 (cited by GeneReviews).

NM_033629.6(TREX1):c.393_408dup (p.Glu137fs)

Genes: TREX1 (three prime repair exonuclease 1; plus strand), ATRIP (ATR interacting protein; plus strand), ATRIP-TREX1 (ATRIP-TREX1 readthrough; plus strand). Cytogenetic location: 3p21.31.
Variant type: Duplication.
Coding change: c.393_408dup on transcript NM_033629.6 (MANE Select); coding-DNA positions 393 to 408, 16 bases duplicated (CCCCCTGCTCCAAGCA).
Protein change: p.Glu137fs; shifts the reading frame from glutamic acid 137.
Molecular consequence: frameshift variant. On other transcripts: non-coding transcript variant (1), 3 prime UTR variant (4).
Genome position (GRCh38, 1-based): chr3:48,467,048-48,467,063, CCCCCTGCTCCAAGCA duplicated. VCF-style (leftmost placement, unchanged base first): chr3-48467047-T-TCCCCCTGCTCCAAGCA. GRCh37 (hg19) VCF-style: chr3-48508446-T-TCCCCCTGCTCCAAGCA.
Other names: c.363_378dup, p.Glu127fs (NM_007248.5); c.*1494_*1509dup (NM_001271022.2, NM_001271023.2, NM_032166.4 and 1 more transcripts); c.393_408dup (AF319569.1); short protein forms E127fs, E137fs.
Identifiers: ClinVar variation 126387 (VCV000126387.4), dbSNP rs74876396, ClinGen allele CA345478.